The following is an entry in ClinVar:

ClinVar aggregate classification (germline): Pathogenic (1 of 4 stars; one submission).

Conditions:
Autosomal recessive nonsyndromic hearing loss 7. Also called: DEAFNESS, AUTOSOMAL RECESSIVE 11. Identifiers: Orphanet 90636, MedGen C1832978, MONDO:0010967, OMIM 600974.

Submission:

Institute of Rare Diseases, West China Hospital, Sichuan University
Classification: Pathogenic for Autosomal recessive nonsyndromic hearing loss 7. Last evaluated: 2025-01-09. Review status: criteria provided, single submitter. Criteria: ClinGen HL ACMG Specifications v1. Collection method: research. Allele origin: germline. Affected: yes.
Comment: PVS1;PM3_Supporting;PM2_Supporting

NM_138691.3(TMC1):c.9del (p.Val6fs)

Gene: TMC1 (transmembrane channel like 1; plus strand). Cytogenetic location: 9q21.13.
Variant type: Deletion.
Coding change: c.9del on transcript NM_138691.3 (MANE Select); coding-DNA position 9, one base deleted (C; older notation c.9delC).
Protein change: p.Val6fs; shifts the reading frame from valine 6.
Molecular consequence: frameshift variant.
Genome position (GRCh38, 1-based): chr9:72,648,657, C deleted; the last of 3 consecutive C bases (chr9:72,648,655-72,648,657); deleting any one gives the same sequence. VCF-style (leftmost placement, unchanged base first): chr9-72648654-AC-A. GRCh37 (hg19) VCF-style: chr9-75263570-AC-A.
Other names: short protein forms V6fs.
Identifiers: ClinVar variation 3601926 (VCV003601926.1).